The following is an entry in ClinVar:

ClinVar aggregate classification (germline): Uncertain significance. Review status: criteria provided, multiple submitters, no conflicts (2 of 4 stars). 2 submissions from 2 submitters: Uncertain significance (2). Last evaluated 2025-10-03.

Conditions:
RELN-related disorder. Also called: RELN-related condition.
Familial temporal lobe epilepsy 7. Identifiers: Orphanet 101046, MedGen C4225327, MONDO:0014639, OMIM 616436.
Norman-Roberts syndrome (LIS2). Also called: Lissencephaly 2 (Norman-Roberts type). Identifiers: Orphanet 89844, MedGen C0796089, MONDO:0009760, OMIM 257320.

gnomAD v4.1: 4 of 1,613,736 alleles (0.00025%); highest among the groups gnomAD compares: African/African-American, 0.004%; no homozygotes.

Submissions (2):

PreventionGenetics, part of Exact Sciences
Classification: Uncertain significance for RELN-related condition. Last evaluated: 2025-10-03. Review status: criteria provided, single submitter. Criteria: ACMG Guidelines, 2015. Collection method: clinical testing. Allele origin: germline.
Comment: The RELN c.1425G>T variant is predicted to result in the amino acid substitution p.Arg475Ser. To our knowledge, this variant has not been reported in the literature. This variant is reported in 0.0065% of alleles in individuals of European (Non-Finnish) descent in gnomAD. At this time, the clinical significance of this variant is uncertain due to the absence of conclusive functional and genetic evidence.

Labcorp Genetics (formerly Invitae), Labcorp
Classification: Uncertain significance for Familial temporal lobe epilepsy 7; Norman-Roberts syndrome. Last evaluated: 2025-10-01. Review status: criteria provided, single submitter. Criteria: Invitae Variant Classification Sherloc (09022015). Collection method: clinical testing. Allele origin: germline.
Comment: This sequence change replaces arginine, which is basic and polar, with serine, which is neutral and polar, at codon 475 of the RELN protein (p.Arg475Ser). This variant is present in population databases (no rsID available, gnomAD 0.007%). This variant has not been reported in the literature in individuals affected with RELN-related conditions. Invitae Evidence Modeling of protein sequence and biophysical properties (such as structural, functional, and spatial information, amino acid conservation, physicochemical variation, residue mobility, and thermodynamic stability) indicates that this missense variant is not expected to disrupt RELN protein function with a negative predictive value of 80%. In summary, the available evidence is currently insufficient to determine the role of this variant in disease. Therefore, it has been classified as a Variant of Uncertain Significance.

NM_005045.4(RELN):c.1425G>T (p.Arg475Ser)

Genes: RELN (reelin; minus strand), LOC126860131 (MED14-independent group 3 enhancer GRCh37_chr7:103301048-103302247; plus strand). Cytogenetic location: 7q22.1.
Variant type: single nucleotide variant.
Coding change: c.1425G>T on transcript NM_005045.4 (MANE Select); coding-DNA position 1425, G replaced by T.
Protein change: p.Arg475Ser; replaces arginine 475 with serine.
Molecular consequence: missense variant.
Genome position (GRCh38, 1-based): chr7:103,661,392, C>A on the plus strand (G>T on the coding strand, the complement: RELN is on the minus strand). VCF-style: chr7-103661392-C-A. GRCh37 (hg19) VCF-style: chr7-103301839-C-A.
Other names: c.1425G>T, p.Arg475Ser (NM_173054.3); c.1425G>T (NM_005045.3); short protein forms R475S.
Identifiers: ClinVar variation 4789126 (VCV004789126.2).